The following is an entry in ClinVar:

ClinVar aggregate classification (germline): Uncertain significance (1 of 4 stars; one submission).

Conditions:
Cardiovascular phenotype. Identifiers: MedGen CN230736.

Submission:

Ambry Genetics
Classification: Uncertain significance for Cardiovascular phenotype. Last evaluated: 2026-07-04. Review status: criteria provided, single submitter. Criteria: Ambry Variant Classification Scheme 2023. Collection method: clinical testing. Allele origin: germline.
Comment: The p.N1609S variant (also known as c.4826A>G), located in coding exon 27 of the SCN10A gene, results from an A to G substitution at nucleotide position 4826. The asparagine at codon 1609 is replaced by serine, an amino acid with highly similar properties. This amino acid position is conserved. In addition, the in silico prediction for this alteration is inconclusive. Based on the available evidence, the clinical significance of this variant remains unclear.

NM_006514.4(SCN10A):c.4826A>G (p.Asn1609Ser)

Gene: SCN10A (sodium voltage-gated channel alpha subunit 10; minus strand). Cytogenetic location: 3p22.2.
Variant type: single nucleotide variant.
Coding change: c.4826A>G on transcript NM_006514.4 (MANE Select); coding-DNA position 4826, A replaced by G.
Protein change: p.Asn1609Ser; replaces asparagine 1609 with serine.
Molecular consequence: missense variant.
Genome position (GRCh38, 1-based): chr3:38,698,394, T>C on the plus strand (A>G on the coding strand, the complement: SCN10A is on the minus strand). VCF-style: chr3-38698394-T-C. GRCh37 (hg19) VCF-style: chr3-38739885-T-C.
Other names: c.4823A>G, p.Asn1608Ser (NM_001293306.2); c.4532A>G, p.Asn1511Ser (NM_001293307.2); short protein forms N1511S, N1608S, N1609S.
Identifiers: ClinVar variation 5029078 (VCV005029078.1).